The following is an entry in ClinVar:

ClinVar aggregate classification (germline): Uncertain significance (1 of 4 stars; one submission).

Conditions:
MHC class I deficiency. Identifiers: Orphanet 34592, MedGen C6024714, MONDO:0011476.

Submission:

Labcorp Genetics (formerly Invitae), Labcorp
Classification: Uncertain significance for MHC class I deficiency 1. Last evaluated: 2025-05-27. Review status: criteria provided, single submitter. Criteria: Invitae Variant Classification Sherloc (09022015). Collection method: clinical testing. Allele origin: germline.
Comment: This sequence change replaces glutamine, which is neutral and polar, with arginine, which is basic and polar, at codon 262 of the TAPBP protein (p.Gln262Arg). This variant is not present in population databases (gnomAD no frequency). This variant has not been reported in the literature in individuals affected with TAPBP-related conditions. An algorithm developed to predict the effect of missense changes on protein structure and function outputs the following: PolyPhen-2: "Benign". The arginine amino acid residue is found in multiple mammalian species, which suggests that this missense change does not adversely affect protein function. In summary, the available evidence is currently insufficient to determine the role of this variant in disease. Therefore, it has been classified as a Variant of Uncertain Significance.

NM_003190.5(TAPBP):c.785A>G (p.Gln262Arg)

Gene: TAPBP (TAP binding protein; minus strand). Cytogenetic location: 6p21.32.
Variant type: single nucleotide variant.
Coding change: c.785A>G on transcript NM_003190.5 (MANE Select); coding-DNA position 785, A replaced by G.
Protein change: p.Gln262Arg; replaces glutamine 262 with arginine.
Molecular consequence: missense variant.
Genome position (GRCh38, 1-based): chr6:33,305,072, T>C on the plus strand (A>G on the coding strand, the complement: TAPBP is on the minus strand). VCF-style: chr6-33305072-T-C. GRCh37 (hg19) VCF-style: chr6-33272849-T-C.
Other names: c.785A>G, p.Gln262Arg (NM_001410875.1, NM_172208.3); c.524A>G, p.Gln175Arg (NM_172209.3); short protein forms Q175R, Q262R.
Identifiers: ClinVar variation 4810852 (VCV004810852.1).